The following is an entry in ClinVar:

NM_000069.3(CACNA1S):c.5344C>T (p.Pro1782Ser)

Gene: CACNA1S (calcium voltage-gated channel subunit alpha1 S; minus strand). Cytogenetic location: 1q32.1.
Variant type: single nucleotide variant.
Coding change: c.5344C>T on transcript NM_000069.3 (MANE Select); coding-DNA position 5344, C replaced by T.
Protein change: p.Pro1782Ser; replaces proline 1782 with serine.
Molecular consequence: missense variant.
Genome position (GRCh38, 1-based): chr1:201,040,257, G>A on the plus strand (C>T on the coding strand, the complement: CACNA1S is on the minus strand). VCF-style: chr1-201040257-G-A. GRCh37 (hg19) VCF-style: chr1-201009385-G-A.
Other names: short protein forms P1782S.
Identifiers: ClinVar variation 3071790 (VCV003071790.3), dbSNP rs759514392, ClinGen allele CA35989516.

ClinVar aggregate classification (germline): Uncertain significance. Review status: criteria provided, multiple submitters, no conflicts (2 of 4 stars). 3 submissions from 3 submitters: Uncertain significance (3). Last evaluated 2025-11-03.

Conditions:
Malignant hyperthermia, susceptibility to, 5 (MHS5). Also called: CACNA1S-Related Malignant Hyperthermia Susceptibility. Identifiers: Orphanet 423, MedGen C1866077, MONDO:0011163, OMIM 601887.
Hypokalemic periodic paralysis, type 1. Also called: HypoPP; Hypokalemic Periodic Paralysis Type 1 (AD). Identifiers: Orphanet 681, MedGen C3714580, MONDO:0042979, OMIM 170400.

gnomAD v4.1: 7 of 1,613,774 alleles (0.00043%); highest among the groups gnomAD compares: Non-Finnish European, 0.00051%; no homozygotes.

Submissions (3):

Labcorp Genetics (formerly Invitae), Labcorp
Classification: Uncertain significance for Hypokalemic periodic paralysis, type 1; Malignant hyperthermia, susceptibility to, 5. Last evaluated: 2025-11-03. Review status: criteria provided, single submitter. Criteria: Invitae Variant Classification Sherloc (09022015). Collection method: clinical testing. Allele origin: germline.
Comment: This sequence change replaces proline, which is neutral and non-polar, with serine, which is neutral and polar, at codon 1782 of the CACNA1S protein (p.Pro1782Ser). This variant is not present in population databases (gnomAD no frequency). This variant has not been reported in the literature in individuals affected with CACNA1S-related conditions. ClinVar contains an entry for this variant (Variation ID: 3071790). Invitae Evidence Modeling of protein sequence and biophysical properties (such as structural, functional, and spatial information, amino acid conservation, physicochemical variation, residue mobility, and thermodynamic stability) indicates that this missense variant is not expected to disrupt CACNA1S protein function with a negative predictive value of 95%. In summary, the available evidence is currently insufficient to determine the role of this variant in disease. Therefore, it has been classified as a Variant of Uncertain Significance.

Color Diagnostics, LLC DBA Color Health
Classification: Uncertain significance for Malignant hyperthermia, susceptibility to, 5. Last evaluated: 2025-07-17. Review status: criteria provided, single submitter. Criteria: ACMG Guidelines, 2015. Collection method: clinical testing. Allele origin: germline.
Comment: This missense variant replaces proline with serine at codon 1782 of the CACNA1S protein. Computational prediction suggests that this variant may not impact protein structure and function. To our knowledge, functional studies have not been reported for this variant. This variant has not been reported in individuals affected with CACNA1S-related disorders in the literature. This variant has not been identified in the general population by the Genome Aggregation Database (gnomAD). The available evidence is insufficient to determine the role of this variant in disease conclusively. Therefore, this variant is classified as a Variant of Uncertain Significance.

All of Us Research Program, National Institutes of Health
Classification: Uncertain significance for Malignant hyperthermia, susceptibility to, 5. Last evaluated: 2023-07-10. Review status: criteria provided, single submitter. Criteria: ACMG Guidelines, 2015. Collection method: clinical testing. Allele origin: germline. Inheritance: Autosomal dominant inheritance. Observed: 1 variant allele, 1 heterozygote.
Comment: This missense variant replaces proline with serine at codon 1782 of the CACNA1S protein. Computational prediction suggests that this variant may not impact protein structure and function (internally defined REVEL score threshold <= 0.5, PMID: 27666373). To our knowledge, functional studies have not been reported for this variant. This variant has not been reported in individuals affected with CACNA1S-related disorders in the literature. This variant has not been identified in the general population by the Genome Aggregation Database (gnomAD). The available evidence is insufficient to determine the role of this variant in disease conclusively. Therefore, this variant is classified as a Variant of Uncertain Significance.

This study involves interpretation of variants in research participants for the purpose of population health screening. Participant phenotype was not available at the time of variant classification. Additional details can be found in publication PMID: 35346344, PMCID: PMC8962531